The following is an entry in ClinVar:

ClinVar aggregate classification (germline): Pathogenic/Likely pathogenic. Review status: criteria provided, multiple submitters, no conflicts (2 of 4 stars). 6 submissions from 6 submitters: Pathogenic (4); Likely pathogenic (2). Last evaluated 2025-02-27.

Conditions:
PMM2-related disorder. Also called: PMM2-related condition.
PMM2-congenital disorder of glycosylation. Also called: CDG Ia; JAEKEN SYNDROME; PHOSPHOMANNOMUTASE 2 DEFICIENCY; PMM2-CDG; Congenital disorder of glycosylation, type Ia; CARBOHYDRATE-DEFICIENT GLYCOPROTEIN SYNDROME, TYPE Ia. Identifiers: Orphanet 79318, MedGen C0349653, MONDO:0008907, OMIM 212065.

Allele frequency attached by ClinVar (database versions not stated): ExAC 0.00002; gnomAD 0.00002 and 0.00003; ESP Exome Variant Server 0.00015; gnomAD exomes 0.00001; TOPMed 0.00001.
gnomAD v4.1: 21 of 1,606,178 alleles (0.0013%); highest among the groups gnomAD compares: Non-Finnish European, 0.0017%; no homozygotes.

Submissions (6):

Natera, Inc.
Classification: Pathogenic for Congenital disorder of glycosylation type 1a. Last evaluated: 2025-02-27. Review status: criteria provided, single submitter. Criteria: Natera Variant Classification Schema (03/2026). Collection method: clinical testing. Allele origin: germline.
Comment: The c.640-9T>G variant in PMM2 is an intronic variant located outside the canonical splice sites. This variant is rare in the general population with a frequency below the threshold expected for the associated phenotype(s). This variant has been observed in one or more individuals affected with the associated recessive disease, as either homozygous or compound heterozygous with a second variant (PMID: 29470411). Additionally, this variant has been observed to segregate in affected family members (PMID: 29470411). Computational prediction algorithms indicate this variant is likely to affect gene or protein function. Given the available evidence, this variant is classified as Pathogenic.

PreventionGenetics, part of Exact Sciences
Classification: Likely pathogenic for PMM2-related condition. Last evaluated: 2024-11-13. Review status: criteria provided, single submitter. Criteria: ACMG Guidelines, 2015. Collection method: clinical testing. Allele origin: germline.
Comment: The PMM2 c.640-9T>G variant is predicted to interfere with splicing. This variant has been reported with a second PMM2 variant in individuals with congenital disorder of glycosylation 1a (Vega et al. 2009. PubMed ID: 19235233; Tobler et al. 2018. PubMed ID: 29701302). RT-PCR studies suggest this variant impacts mRNA splicing (Vega et al. 2009. PubMed ID: 19235233). This variant is reported in 0.00088% of alleles in individuals of European (non-Finnish) descent in gnomAD. This variant is interpreted as likely pathogenic.

Labcorp Genetics (formerly Invitae), Labcorp
Classification: Pathogenic for PMM2-congenital disorder of glycosylation. Last evaluated: 2024-09-21. Review status: criteria provided, single submitter. Criteria: Invitae Variant Classification Sherloc (09022015). Collection method: clinical testing. Allele origin: germline.
Comment: This sequence change falls in intron 7 of the PMM2 gene. It does not directly change the encoded amino acid sequence of the PMM2 protein. RNA analysis indicates that this variant induces altered splicing and likely disrupts the C-terminus of the protein. This variant is present in population databases (rs370160676, gnomAD 0.003%). This variant has been observed in individual(s) with congenital disorder of glycosylation type 1a (PMID: 19235233). In at least one individual the data is consistent with being in trans (on the opposite chromosome) from a pathogenic variant. ClinVar contains an entry for this variant (Variation ID: 632945). Studies have shown that this variant results in skipping of exon 8 and introduces a new termination codon (PMID: 19235233). However the mRNA is not expected to undergo nonsense-mediated decay. For these reasons, this variant has been classified as Pathogenic.

Fulgent Genetics
Classification: Pathogenic for PMM2-congenital disorder of glycosylation. Last evaluated: 2022-05-10. Review status: criteria provided, single submitter. Criteria: ACMG Guidelines, 2015. Collection method: clinical testing. Allele origin: unknown.

Myriad Genetics, Inc.
Classification: Likely pathogenic for PMM2-congenital disorder of glycosylation. Last evaluated: 2021-11-08. Review status: criteria provided, single submitter. Criteria: Myriad Women's Health Autosomal Recessive and X-Linked Classification Criteria (2021). Collection method: clinical testing. Allele origin: unknown.
Comment: NM_000303.2(PMM2):c.640-9T>G is an intronic variant classified as likely pathogenic in the context of congenital disorder of glycosylation type Ia. c.640-9T>G has been observed in cases with relevant disease (PMID: 29701302, 19235233). Functional assessments of this variant are available in the literature (PMID: 19235233, 21541725). c.640-9T>G has been observed in population frequency databases (gnomAD: NFE 0.001%). In summary, NM_000303.2(PMM2):c.640-9T>G is an intronic variant that has functional support for pathogenicity and has been observed more frequently in cases with the relevant disease than in healthy populations. Please note: this variant was assessed in the context of healthy population screening.

Women's Health and Genetics/Laboratory Corporation of America, LabCorp
Classification: Pathogenic for PMM2-congenital disorder of glycosylation. Last evaluated: 2021-10-18. Review status: criteria provided, single submitter. Criteria: LabCorp Variant Classification Summary - May 2015. Collection method: clinical testing. Allele origin: germline.
Comment: Variant summary: PMM2 c.640-9T>G alters a conserved nucleotide located close to a canonical splice site and therefore could affect mRNA splicing, leading to a significantly altered protein sequence. Several computational tools predict a significant impact on normal splicing: Four predict the variant weakens a 3 acceptor site. Experimental evidence supports these predictions demonstrating that the variant affects mRNA splicing (Vega_2009). The variant allele was found at a frequency of 4e-06 in 251000 control chromosomes (gnomAD). c.640-9T>G has been reported in the literature in individuals affected with Congenital Disorder Of Glycosylation Type 1a (e.g. Richard_2009, Perez_2011, Perez-Cerda_2017). These data indicate that the variant is likely to be associated with disease. A ClinVar submitter (evaluation after 2014) cites the variant as likely pathogenic. Based on the evidence outlined above, the variant was classified as pathogenic.

Literature cited by the submitters: PubMed 29470411 (cited by Natera, Inc.); PubMed 19235233 (cited by 3 submitters); PubMed 21541725 (cited by Myriad Genetics, Inc.); PubMed 29701302 (cited by Myriad Genetics, Inc.); PubMed 23430838 (cited by Women's Health and Genetics/Laboratory Corporation of America, LabCorp); PubMed 19101518 (cited by Women's Health and Genetics/Laboratory Corporation of America, LabCorp); PubMed 28139241 (cited by Women's Health and Genetics/Laboratory Corporation of America, LabCorp).

NM_000303.3(PMM2):c.640-9T>G

Gene: PMM2 (phosphomannomutase 2; plus strand). Cytogenetic location: 16p13.2.
Variant type: single nucleotide variant.
Coding change: c.640-9T>G on transcript NM_000303.3 (MANE Select); 9 bases into the intron before coding-DNA position 640, T replaced by G.
Molecular consequence: intron variant.
Genome position (GRCh38, 1-based): chr16:8,847,715, T>G. VCF-style: chr16-8847715-T-G. GRCh37 (hg19) VCF-style: chr16-8941572-T-G.
Identifiers: ClinVar variation 632945 (VCV000632945.17), dbSNP rs370160676, ClinGen allele CA7894189.